The following is an entry in ClinVar:

ClinVar aggregate classification (germline): Uncertain significance (1 of 4 stars; one submission).

Submission:

CeGaT Center for Human Genetics Tuebingen
Classification: Uncertain significance. Last evaluated: 2025-06-01. Review status: criteria provided, single submitter. Criteria: CeGaT Center For Human Genetics Tuebingen Variant Classification Criteria Version 2. Collection method: clinical testing. Allele origin: germline. Affected: yes. Observed: 1 variant allele.
Comment: PACS1: PM2

NM_018026.4(PACS1):c.2233T>C (p.Phe745Leu)

Gene: PACS1 (phosphofurin acidic cluster sorting protein 1; plus strand). Cytogenetic location: 11q13.2.
Variant type: single nucleotide variant.
Coding change: c.2233T>C on transcript NM_018026.4 (MANE Select); coding-DNA position 2233, T replaced by C.
Protein change: p.Phe745Leu; replaces phenylalanine 745 with leucine.
Molecular consequence: missense variant.
Genome position (GRCh38, 1-based): chr11:66,235,923, T>C. VCF-style: chr11-66235923-T-C. GRCh37 (hg19) VCF-style: chr11-66003394-T-C.
Other names: short protein forms F745L.
Identifiers: ClinVar variation 3906003 (VCV003906003.10).